The following is an entry in ClinVar:

NM_001130009.3(GEN1):c.1217G>T (p.Arg406Leu)

Gene: GEN1 (GEN1 structure-specific endonuclease; plus strand). Cytogenetic location: 2p24.2.
Variant type: single nucleotide variant.
Coding change: c.1217G>T on transcript NM_001130009.3 (MANE Select); coding-DNA position 1217, G replaced by T.
Protein change: p.Arg406Leu; replaces arginine 406 with leucine.
Molecular consequence: missense variant.
Genome position (GRCh38, 1-based): chr2:17,778,016, G>T. VCF-style: chr2-17778016-G-T. GRCh37 (hg19) VCF-style: chr2-17959283-G-T.
Other names: c.1217G>T, p.Arg406Leu (NM_182625.5); short protein forms R406L.
Identifiers: ClinVar variation 3519699 (VCV003519699.3).

ClinVar aggregate classification (germline): Uncertain significance. Review status: criteria provided, multiple submitters, no conflicts (2 of 4 stars). 2 submissions from 2 submitters: Uncertain significance (2). Last evaluated 2024-11-25.

Submissions (2):

Labcorp Genetics (formerly Invitae), Labcorp
Classification: Uncertain significance. Last evaluated: 2024-11-25. Review status: criteria provided, single submitter. Criteria: Invitae Variant Classification Sherloc (09022015). Collection method: clinical testing. Allele origin: germline.
Comment: This sequence change replaces arginine, which is basic and polar, with leucine, which is neutral and non-polar, at codon 406 of the GEN1 protein (p.Arg406Leu). This variant is present in population databases (no rsID available, gnomAD 0.007%). This variant has not been reported in the literature in individuals affected with GEN1-related conditions. An algorithm developed to predict the effect of missense changes on protein structure and function (PolyPhen-2) suggests that this variant is likely to be disruptive. Algorithms developed to predict the effect of sequence changes on RNA splicing suggest that this variant may disrupt the consensus splice site. In summary, the available evidence is currently insufficient to determine the role of this variant in disease. Therefore, it has been classified as a Variant of Uncertain Significance.

Ambry Genetics
Classification: Uncertain significance. Last evaluated: 2024-10-04. Review status: criteria provided, single submitter. Criteria: Ambry Variant Classification Scheme 2023. Collection method: clinical testing. Allele origin: germline.
Comment: The p.R406L variant (also known as c.1217G>T), located in coding exon 11 of the GEN1 gene, results from a G to T substitution at nucleotide position 1217. The arginine at codon 406 is replaced by leucine, an amino acid with dissimilar properties. This amino acid position is conserved. In addition, the in silico prediction for this alteration is inconclusive. Based on the available evidence, the clinical significance of this variant remains unclear.